The following is an entry in ClinVar:

NM_001354712.2(THRB):c.741A>G (p.Pro247=)

Gene: THRB (thyroid hormone receptor beta; minus strand). Cytogenetic location: 3p24.2.
Variant type: single nucleotide variant.
Coding change: c.741A>G on transcript NM_001354712.2 (MANE Select); coding-DNA position 741, A replaced by G.
Protein change: p.Pro247=; no amino-acid change (proline 247 retained).
Molecular consequence: synonymous variant.
Genome position (GRCh38, 1-based): chr3:24,133,460, T>C on the plus strand (A>G on the coding strand, the complement: THRB is on the minus strand). VCF-style: chr3-24133460-T-C. GRCh37 (hg19) VCF-style: chr3-24174951-T-C.
Other names: c.741A>G, p.Pro247= (NM_000461.5, NM_001128176.3, NM_001128177.2 and 12 more transcripts); c.648A>G, p.Pro216= (NM_001354714.2, NM_001354715.2).
Identifiers: ClinVar variation 3895575 (VCV003895575.1).

ClinVar aggregate classification (germline): Uncertain significance (1 of 4 stars; one submission).

gnomAD v4.1: 2 of 1,614,090 alleles (0.00012%); highest among the groups gnomAD compares: Non-Finnish European, 0.00017%; no homozygotes.

Submission:

Women's Health and Genetics/Laboratory Corporation of America, LabCorp
Classification: Uncertain significance. Last evaluated: 2025-03-18. Review status: criteria provided, single submitter. Criteria: LabCorp Variant Classification Summary - May 2015. Collection method: clinical testing. Allele origin: germline.
Comment: Variant summary: THRB c.741A>G (p.Pro247Pro) alters a conserved nucleotide located close to a canonical splice site and therefore could affect mRNA splicing, leading to a significantly altered protein sequence. Consensus agreement among computation tools predict no significant impact on normal splicing. However, these predictions have yet to be confirmed by functional studies. The variant allele was found at a frequency of 4e-06 in 251316 control chromosomes (gnomAD). The available data on variant occurrences in the general population are insufficient to allow any conclusion about variant significance. To our knowledge, no occurrence of c.741A>G in individuals affected with Thyroid Hormone Resistance, Generalized, Autosomal Dominant and no experimental evidence demonstrating its impact on protein function have been reported. No submitters have cited clinical-significance assessments for this variant to ClinVar. Based on the evidence outlined above, the variant was classified as uncertain significance.